The following is an entry in ClinVar:

ClinVar aggregate classification (germline): Likely pathogenic (1 of 4 stars; one submission).

Conditions:
Carnitine acylcarnitine translocase deficiency (CACTD). Identifiers: Orphanet 159, MedGen C0342791, MONDO:0008918, OMIM 212138.

Submission:

Labcorp Genetics (formerly Invitae), Labcorp
Classification: Likely pathogenic for Carnitine acylcarnitine translocase deficiency. Last evaluated: 2023-05-27. Review status: criteria provided, single submitter. Criteria: Invitae Variant Classification Sherloc (09022015). Collection method: clinical testing. Allele origin: germline.
Comment: Algorithms developed to predict the effect of sequence changes on RNA splicing suggest that this variant may disrupt the consensus splice site. In summary, the currently available evidence indicates that the variant is pathogenic, but additional data are needed to prove that conclusively. Therefore, this variant has been classified as Likely Pathogenic. This sequence change affects a donor splice site in intron 3 of the SLC25A20 gene. It is expected to disrupt RNA splicing. Variants that disrupt the donor or acceptor splice site typically lead to a loss of protein function (PMID: 16199547), and loss-of-function variants in SLC25A20 are known to be pathogenic (PMID: 25614308). This variant is not present in population databases (gnomAD no frequency). This variant has not been reported in the literature in individuals affected with SLC25A20-related conditions.

Literature cited by the submitters: PubMed 16199547; PubMed 25614308.

NM_000387.6(SLC25A20):c.326+1G>C

Gene: SLC25A20 (solute carrier family 25 member 20; minus strand). Cytogenetic location: 3p21.31.
Variant type: single nucleotide variant.
Coding change: c.326+1G>C on transcript NM_000387.6 (MANE Select); the canonical splice donor site of the intron after coding-DNA position 326, G replaced by C.
Molecular consequence: splice donor variant.
Genome position (GRCh38, 1-based): chr3:48,883,996, C>G on the plus strand (G>C on the coding strand, the complement: SLC25A20 is on the minus strand). VCF-style: chr3-48883996-C-G. GRCh37 (hg19) VCF-style: chr3-48921429-C-G.
Identifiers: ClinVar variation 2744187 (VCV002744187.3), dbSNP rs2083812807, ClinGen allele CA352634037.